The following is an entry in ClinVar:

NM_000088.4(COL1A1):c.1648G>A (p.Asp550Asn)

Gene: COL1A1 (collagen type I alpha 1 chain; minus strand). Cytogenetic location: 17q21.33.
Variant type: single nucleotide variant.
Coding change: c.1648G>A on transcript NM_000088.4 (MANE Select); coding-DNA position 1648, G replaced by A.
Protein change: p.Asp550Asn; replaces aspartic acid 550 with asparagine.
Molecular consequence: missense variant.
Genome position (GRCh38, 1-based): chr17:50,194,150, C>T on the plus strand (G>A on the coding strand, the complement: COL1A1 is on the minus strand). VCF-style: chr17-50194150-C-T. GRCh37 (hg19) VCF-style: chr17-48271511-C-T.
Other names: short protein forms D550N.
Identifiers: ClinVar variation 5034698 (VCV005034698.1).

ClinVar aggregate classification (germline): Uncertain significance (1 of 4 stars; one submission).

Conditions:
Cardiovascular phenotype. Identifiers: MedGen CN230736.

gnomAD v4.1: 1 of 1,613,734 alleles (0.000062%); highest among the groups gnomAD compares: East Asian, 0.0022%; no homozygotes.

Submission:

Ambry Genetics
Classification: Uncertain significance for Cardiovascular phenotype. Last evaluated: 2026-07-01. Review status: criteria provided, single submitter. Criteria: Ambry Variant Classification Scheme 2023. Collection method: clinical testing. Allele origin: germline.
Comment: The p.D550N variant (also known as c.1648G>A), located in coding exon 24 of the COL1A1 gene, results from a G to A substitution at nucleotide position 1648. The aspartic acid at codon 550 is replaced by asparagine, an amino acid with highly similar properties. This amino acid position is conserved. In addition, the in silico prediction for this alteration is inconclusive. Based on the available evidence, the clinical significance of this variant remains unclear.